The following is an entry in ClinVar:

ClinVar aggregate classification (germline): Uncertain significance (0 of 4 stars; one submission).

Conditions:
ATP10A-related disorder. Also called: ATP10A-related condition.

gnomAD v4.1: 2 of 1,613,654 alleles (0.00012%); highest among the groups gnomAD compares: African/African-American, 0.0013%; no homozygotes.

Submission:

PreventionGenetics, part of Exact Sciences
Classification: Uncertain significance for ATP10A-related condition. Last evaluated: 2024-06-12. Review status: no assertion criteria provided. Collection method: clinical testing. Allele origin: germline.
Comment: The ATP10A c.4423C>A variant is predicted to result in the amino acid substitution p.Pro1475Thr. To our knowledge, this variant has not been reported in the literature or in a large population database, indicating this variant is rare. At this time, the clinical significance of this variant is uncertain due to the absence of conclusive functional and genetic evidence.

NM_024490.4(ATP10A):c.4423C>A (p.Pro1475Thr)

Gene: ATP10A (ATPase phospholipid transporting 10A (putative); minus strand). Cytogenetic location: 15q12.
Variant type: single nucleotide variant.
Coding change: c.4423C>A on transcript NM_024490.4 (MANE Select); coding-DNA position 4423, C replaced by A.
Protein change: p.Pro1475Thr; replaces proline 1475 with threonine.
Molecular consequence: missense variant.
Genome position (GRCh38, 1-based): chr15:25,679,418, G>T on the plus strand (C>A on the coding strand, the complement: ATP10A is on the minus strand). VCF-style: chr15-25679418-G-T. GRCh37 (hg19) VCF-style: chr15-25924565-G-T.
Other names: short protein forms P1475T.
Identifiers: ClinVar variation 3355787 (VCV003355787.1).